The following is an entry in ClinVar:

NM_205836.3(FBXO38):c.338G>A (p.Arg113Gln)

Gene: FBXO38 (F-box protein 38; plus strand). Cytogenetic location: 5q32.
Variant type: single nucleotide variant.
Coding change: c.338G>A on transcript NM_205836.3 (MANE Select); coding-DNA position 338, G replaced by A.
Protein change: p.Arg113Gln; replaces arginine 113 with glutamine.
Molecular consequence: missense variant.
Genome position (GRCh38, 1-based): chr5:148,402,057, G>A. VCF-style: chr5-148402057-G-A. GRCh37 (hg19) VCF-style: chr5-147781620-G-A.
Other names: c.338G>A, p.Arg113Gln (NM_001271723.2, NM_030793.5); short protein forms R113Q.
Identifiers: ClinVar variation 1375158 (VCV001375158.6), dbSNP rs1201701262, ClinGen allele CA361654787.
Genomic context (GRCh38, chr5:148,402,057, plus strand): 5'-GTTTTCTAACACTATTAAAGAAGATGCCAGATGTTGAACAGCTATATGGCCTTCACCCTC[G>A]ATACCTTGAGAGGCGAAGAGTAAGGGGCCATGAGGCTTTTAGCATTCCAGGAGTCCTAGA-3'
Protein context (NP_995308.1, residues 103-123): DVEQLYGLHP[Arg113Gln]YLERRRVRGH

ClinVar aggregate classification (germline): Uncertain significance (1 of 4 stars; one submission).

Conditions:
Distal hereditary motor neuropathy type 2. Identifiers: Orphanet 139525, MedGen C3711384, MeSH C580044, MONDO:0015352.

Allele frequency attached by ClinVar (database versions not stated): gnomAD exomes below 0.00001 and 0.00001; gnomAD 0.00001.
gnomAD v4.1: 17 of 1,613,474 alleles (0.0011%); highest among the groups gnomAD compares: Non-Finnish European, 0.0014%; no homozygotes.

Submission:

Labcorp Genetics (formerly Invitae), Labcorp
Classification: Uncertain significance for Distal hereditary motor neuropathy type 2. Last evaluated: 2022-12-01. Review status: criteria provided, single submitter. Criteria: Invitae Variant Classification Sherloc (09022015). Collection method: clinical testing. Allele origin: germline.
Comment: In summary, the available evidence is currently insufficient to determine the role of this variant in disease. Therefore, it has been classified as a Variant of Uncertain Significance. Advanced modeling of protein sequence and biophysical properties (such as structural, functional, and spatial information, amino acid conservation, physicochemical variation, residue mobility, and thermodynamic stability) performed at Invitae indicates that this missense variant is not expected to disrupt FBXO38 protein function. ClinVar contains an entry for this variant (Variation ID: 1375158). This variant has not been reported in the literature in individuals affected with FBXO38-related conditions. This sequence change replaces arginine, which is basic and polar, with glutamine, which is neutral and polar, at codon 113 of the FBXO38 protein (p.Arg113Gln). This variant is present in population databases (no rsID available, gnomAD 0.0009%).